The following is an entry in ClinVar:

NM_000218.3(KCNQ1):c.397G>A (p.Val133Ile)

Gene: KCNQ1 (potassium voltage-gated channel subfamily Q member 1; plus strand). Cytogenetic location: 11p15.5.
Variant type: single nucleotide variant.
Coding change: c.397G>A on transcript NM_000218.3 (MANE Select); coding-DNA position 397, G replaced by A.
Protein change: p.Val133Ile; replaces valine 133 with isoleucine.
Molecular consequence: missense variant.
Genome position (GRCh38, 1-based): chr11:2,527,938, G>A. VCF-style: chr11-2527938-G-A. GRCh37 (hg19) VCF-style: chr11-2549168-G-A.
Other names: c.397G>A (LRG_287t1); c.397G>A, p.Val133Ile (NM_001406836.1, NM_001406838.1); c.127G>A, p.Val43Ile (NM_001406837.1); c.16G>A, p.Val6Ile (NM_181798.2); short protein forms V133I, V6I, V43I.
Identifiers: ClinVar variation 67069 (VCV000067069.10), dbSNP rs199473449, ClinGen allele CA006983.

ClinVar aggregate classification (germline): Uncertain significance. Review status: criteria provided, multiple submitters, no conflicts (2 of 4 stars). 5 submissions from 5 submitters: Uncertain significance (4). 1 of the submissions does not count toward it. Last evaluated 2025-02-07.

Conditions:
Cardiac arrhythmia. Also called: Arrhythmia; Cardiac rhythm disease. Identifiers: MedGen C0003811, MONDO:0007263, HP:0011675.
Familial long QT syndrome (RWS). Also called: Congenital long QT syndrome; Romano-Ward syndrome; VENTRICULAR FIBRILLATION WITH PROLONGED QT INTERVAL. Identifiers: Orphanet 768, MedGen C1141890, MONDO:0019171.
Atrial fibrillation, familial, 3 (ATFB3). Identifiers: MedGen C1837014, MONDO:0011857, OMIM 607554.
Long QT syndrome 1 (LQT1). Identifiers: Orphanet 101016, Orphanet 768, MedGen C4551647, MONDO:0100316, OMIM 192500, MONDO:0008646.
Beckwith-Wiedemann syndrome (BWS). Also called: Exomphalos macroglossia gigantism syndrome; EMG SYNDROME. Identifiers: Orphanet 116, MedGen C0004903, MONDO:0007534, OMIM 130650.
Jervell and Lange-Nielsen syndrome 1 (JLNS1). Also called: CARDIOAUDITORY SYNDROME OF JERVELL AND LANGE-NIELSEN; DEAFNESS, CONGENITAL, AND FUNCTIONAL HEART DISEASE; PROLONGED QT INTERVAL IN EKG AND SUDDEN DEATH; SURDO-CARDIAC SYNDROME. Identifiers: Orphanet 768, Orphanet 90647, MedGen C4551509, MONDO:0024540, OMIM 220400.
Short QT syndrome type 2. Identifiers: Orphanet 51083, MedGen C1865019, MONDO:0012313, OMIM 609621.
Long QT syndrome (LQTS). Identifiers: MedGen C0023976, MeSH D008133, MONDO:0002442. Disease mechanism: loss of function. Inheritance: Various modes of inheritance.

Allele frequency attached by ClinVar (database versions not stated): gnomAD exomes below 0.00001; ExAC 0.00001.
gnomAD v4.1: 12 of 1,613,930 alleles (0.00074%); highest among the groups gnomAD compares: Admixed American, 0.0017%; no homozygotes.

Submissions (5):

Labcorp Genetics (formerly Invitae), Labcorp
Classification: Uncertain significance for Long QT syndrome. Last evaluated: 2025-02-07. Review status: criteria provided, single submitter. Criteria: Invitae Variant Classification Sherloc (09022015). Collection method: clinical testing. Allele origin: germline.
Comment: This sequence change replaces valine, which is neutral and non-polar, with isoleucine, which is neutral and non-polar, at codon 133 of the KCNQ1 protein (p.Val133Ile). This variant is present in population databases (rs199473449, gnomAD 0.0009%). This missense change has been observed in individual(s) with long QT syndrome (PMID: 12877697). ClinVar contains an entry for this variant (Variation ID: 67069). Invitae Evidence Modeling of protein sequence and biophysical properties (such as structural, functional, and spatial information, amino acid conservation, physicochemical variation, residue mobility, and thermodynamic stability) has been performed for this missense variant. However, the output from this modeling did not meet the statistical confidence thresholds required to predict the impact of this variant on KCNQ1 protein function. Experimental studies have shown that this missense change does not substantially affect KCNQ1 function (PMID: 27810088, 29532034, 30571187). In summary, the available evidence is currently insufficient to determine the role of this variant in disease. Therefore, it has been classified as a Variant of Uncertain Significance.

Color Diagnostics, LLC DBA Color Health
Classification: Uncertain significance for Cardiac arrhythmia. Last evaluated: 2024-03-25. Review status: criteria provided, single submitter. Criteria: ACMG Guidelines, 2015. Collection method: clinical testing. Allele origin: germline.
Comment: This missense variant replaces valine with isoleucine at codon 133 of the KCNQ1 protein. Computational prediction suggests that this variant may have deleterious impact on protein structure and function. Functional studies have shown that this variant has no substantial impact on channel function in intro (PMID: 27810088, 29532034, 30571187, 31518351). This variant has been reported in a few individuals affected with long QT syndrome or other cardiovascular disease (PMID: 15840476, 19716085, 31696929). This variant has also been observed in multiple individuals from a family, who were all unaffected with long QT syndrome (PMID: 27810088). This variant has been identified in 1/251392 chromosomes in the general population by the Genome Aggregation Database (gnomAD). The available evidence is insufficient to determine the role of this variant in disease conclusively. Therefore, this variant is classified as a Variant of Uncertain Significance.

All of Us Research Program, National Institutes of Health
Classification: Uncertain significance for Long QT syndrome. Last evaluated: 2023-05-04. Review status: criteria provided, single submitter. Criteria: ACMG Guidelines, 2015. Collection method: clinical testing. Allele origin: germline. Inheritance: Autosomal dominant inheritance. Observed: 2 variant alleles, 2 heterozygotes.
Comment: This missense variant replaces valine with isoleucine at codon 133 of the KCNQ1 protein. Computational prediction suggests that this variant may have deleterious impact on protein structure and function (internally defined REVEL score threshold >= 0.7, PMID: 27666373). Functional studies have shown that this variant has no substantial impact on channel function in intro (PMID: 27810088, 29532034, 30571187, 31518351). This variant has been reported in a few individuals affected with long QT syndrome or other cardiovascular disease (PMID: 15840476, 19716085, 31696929), and in multiple individuals from a family, none of whom had indications of long QT syndrome (PMID: 27810088). This variant has been identified in 1/251392 chromosomes in the general population by the Genome Aggregation Database (gnomAD). The available evidence is insufficient to determine the role of this variant in disease conclusively. Therefore, this variant is classified as a Variant of Uncertain Significance.

This study involves interpretation of variants in research participants for the purpose of population health screening. Participant phenotype was not available at the time of variant classification. Additional details can be found in publication PMID: 35346344, PMCID: PMC8962531

Fulgent Genetics
Classification: Uncertain significance for Beckwith-Wiedemann syndrome; Long QT syndrome 1; Jervell and Lange-Nielsen syndrome 1; Atrial fibrillation, familial, 3; Short QT syndrome type 2. Last evaluated: 2021-09-28. Review status: criteria provided, single submitter. Criteria: ACMG Guidelines, 2015. Collection method: clinical testing. Allele origin: unknown.

Cardiovascular Biomedical Research Unit, Royal Brompton & Harefield NHS Foundation Trust
No classification provided. Condition: Familial long QT syndrome. Review status: no classification provided. Collection method: literature only. Allele origin: germline. Not counted in ClinVar's aggregate classification.
Comment: This variant has been reported as associated with Long QT syndrome in the following publications (PMID:12877697;PMID:15840476;PMID:19716085). This is a literature report, and does not necessarily reflect the clinical interpretation of the Imperial College / Royal Brompton Cardiovascular Genetics laboratory.

Literature cited by the submitters: PubMed 12877697 (cited by Labcorp Genetics (formerly Invitae), Labcorp and Cardiovascular Biomedical Research Unit, Royal Brompton & Harefield NHS Foundation Trust); PubMed 27810088 (cited by 3 submitters); PubMed 29532034 (cited by 3 submitters); PubMed 30571187 (cited by 3 submitters); PubMed 15840476 (cited by 3 submitters); PubMed 19716085 (cited by 3 submitters); PubMed 31518351 (cited by Color Diagnostics, LLC DBA Color Health and All of Us Research Program, National Institutes of Health); PubMed 31696929 (cited by Color Diagnostics, LLC DBA Color Health and All of Us Research Program, National Institutes of Health); PubMed 22581653 (cited by Cardiovascular Biomedical Research Unit, Royal Brompton & Harefield NHS Foundation Trust).